The following is an entry in ClinVar:

ClinVar aggregate classification (germline): Pathogenic/Likely pathogenic. Review status: criteria provided, multiple submitters, no conflicts (2 of 4 stars). 2 submissions from 2 submitters: Pathogenic (1); Likely pathogenic (1). Last evaluated 2024-02-05.

Conditions:
PRRT2-Related Disorder. Also called: PRRT2-related disorders. Identifiers: MedGen CN381059.
Episodic kinesigenic dyskinesia 1 (EKD1). Also called: DYSTONIA, FAMILIAL PAROXYSMAL; PRRT2-Related Paroxysmal Kinesigenic Dyskinesia (PKD); PxMD-PRRT2; PAROXYSMAL KINESIGENIC CHOREOATHETOSIS; Dystonia 10. Identifiers: Orphanet 98809, MedGen C4552000, MONDO:0100352, OMIM 128200, MONDO:0007494.

Submissions (2):

3billion
Classification: Pathogenic for Episodic kinesigenic dyskinesia 1. Last evaluated: 2024-02-05. Review status: criteria provided, single submitter. Criteria: ACMG Guidelines, 2015. Collection method: clinical testing. Allele origin: germline. Affected: yes.
Comment: The variant is observed at an extremely low frequency in the gnomAD v2.1.1 dataset (total allele frequency: 0.001%). Predicted Consequence/Location: Frameshift: predicted to result in a loss or disruption of normal protein function through nonsense-mediated decay (NMD) or protein truncation. Multiple pathogenic variants are reported downstream of the variant. The variant has been reported to be associated with PRRT2-related disorder (ClinVar ID: VCV002630065 /PMID: 29778030). Therefore, this variant is classified as Pathogenic according to the recommendation of ACMG/AMP guideline.

PreventionGenetics, part of Exact Sciences
Classification: Likely pathogenic for PRRT2-related condition. Last evaluated: 2022-12-16. Review status: criteria provided, single submitter. Criteria: ACMG Guidelines, 2015. Collection method: clinical testing. Allele origin: germline.
Comment: The PRRT2 c.640delG variant is predicted to result in a frameshift and premature protein termination (p.Ala214Profs*15). This variant was reported in an individual with Epilepsy. Detailed phenotypic characterization was not provided (Patient 46, Table 1, Hesse et al 2018. PubMed ID: 29778030). This variant is reported in 0.0059% of alleles in individuals of East Asian descent in gnomAD. Frameshift variants in PRRT2 are expected to be pathogenic. This variant is interpreted as likely pathogenic.

Literature cited by the submitters: PubMed 29778030 (cited by 3billion).

NM_145239.3(PRRT2):c.640del (p.Ala214fs)

Genes: MVP-DT (MVP divergent transcript; minus strand), PRRT2 (proline rich transmembrane protein 2; plus strand). Cytogenetic location: 16p11.2.
Variant type: Deletion.
Coding change: c.640del on transcript NM_145239.3 (MANE Select); coding-DNA position 640, one base deleted (G; older notation c.640delG).
Protein change: p.Ala214fs; shifts the reading frame from alanine 214.
Molecular consequence: frameshift variant.
Genome position (GRCh38, 1-based): chr16:29,813,694, G deleted; the last of 4 consecutive G bases (chr16:29,813,691-29,813,694); deleting any one gives the same sequence. VCF-style (leftmost placement, unchanged base first): chr16-29813690-TG-T. GRCh37 (hg19) VCF-style: chr16-29825011-TG-T.
Other names: c.640del, p.Ala214fs (NM_001256442.2, NM_001256443.2); short protein forms A214fs.
Identifiers: ClinVar variation 2630065 (VCV002630065.2), dbSNP rs769519069, ClinGen allele CA7994560.